The following is an entry in ClinVar:

NM_001282112.2(TOP3B):c.1593C>T (p.Ser531=)

Gene: TOP3B (DNA topoisomerase III beta; minus strand). Cytogenetic location: 22q11.22.
Variant type: single nucleotide variant.
Coding change: c.1593C>T on transcript NM_001282112.2 (MANE Select); coding-DNA position 1593, C replaced by T.
Protein change: p.Ser531=; no amino-acid change (serine 531 retained).
Molecular consequence: synonymous variant. On other transcripts: non-coding transcript variant (1).
Genome position (GRCh38, 1-based): chr22:21,960,382, G>A on the plus strand (C>T on the coding strand, the complement: TOP3B is on the minus strand). VCF-style: chr22-21960382-G-A. GRCh37 (hg19) VCF-style: chr22-22314754-G-A.
Other names: c.1593C>T, p.Ser531= (NM_001282113.2, NM_001349845.2, NM_001349847.2 and 1 more transcripts); c.1185C>T, p.Ser395= (NM_001349848.2, NM_001349850.2, NM_001349851.2 and 1 more transcripts).
Identifiers: ClinVar variation 3043284 (VCV003043284.2), dbSNP rs115039918, ClinGen allele CA10125504.
Genomic context (GRCh38, chr22:21,960,382, plus strand): 5'-AATCTTATAGTAGCCGTGCACCAGGACGATGCCGAGGTTGGTGGGCTTGAGCCGGCGCCC[G>A]CTCTCCACCGTGACATAGTTGCGCTGGCAGATGTTGTTGATATGCACAGGGATGCTGGCA-3'
Protein context (NP_001269041.1, residues 521-541): ICQRNYVTVE[Ser531=]GRRLKPTNLG

ClinVar aggregate classification (germline): Likely benign (0 of 4 stars; one submission).

Conditions:
TOP3B-related disorder. Also called: TOP3B-related condition.

Allele frequency attached by ClinVar (database versions not stated): ExAC 0.00051; ESP Exome Variant Server 0.00131; gnomAD 0.00155; TOPMed 0.00176; 1000 Genomes Project 0.00319; 1000 Genomes Project 30x 0.00328.
gnomAD v4.1: 456 of 1,613,664 alleles (0.028%); highest among the groups gnomAD compares: African/African-American, 0.51%; 3 homozygotes.

Submission:

PreventionGenetics, part of Exact Sciences
Classification: Likely benign for TOP3B-related condition. Last evaluated: 2019-06-27. Review status: no assertion criteria provided. Collection method: clinical testing. Allele origin: germline.
Comment: This variant is classified as likely benign based on ACMG/AMP sequence variant interpretation guidelines (Richards et al. 2015 PMID: 25741868, with internal and published modifications).